The following is an entry in ClinVar:

NM_000379.4(XDH):c.*1081A>G

Gene: XDH (xanthine dehydrogenase; minus strand). Cytogenetic location: 2p23.1.
Variant type: single nucleotide variant.
Coding change: c.*1081A>G on transcript NM_000379.4 (MANE Select); 1081 bases downstream of the stop codon, A replaced by G.
Molecular consequence: 3 prime UTR variant.
Genome position (GRCh38, 1-based): chr2:31,334,877, T>C on the plus strand (A>G on the coding strand, the complement: XDH is on the minus strand). VCF-style: chr2-31334877-T-C. GRCh37 (hg19) VCF-style: chr2-31557743-T-C.
Identifiers: ClinVar variation 335741 (VCV000335741.5), dbSNP rs45488100, ClinGen allele CA10613178.
Genomic context (GRCh38, chr2:31,334,877, plus strand): 5'-CTTCTTGGCTCTTCTACCTCTGGTTGGGCTTGATTTTGATAGCAGCATTTTTATTTCTTT[T>C]TTTTTCTTCAGAGACAAGATCTTGCTCAGTCGCTCAGGCAGGAGTGCAGTGGCGCAATCA-3'

ClinVar aggregate classification (germline): Benign (1 of 4 stars; one submission).

Conditions:
Hereditary xanthinuria type 1 (XAN1). Identifiers: Orphanet 3467, Orphanet 93601, MedGen C0268118, MONDO:0010209, OMIM 278300.

Allele frequency attached by ClinVar (database versions not stated): gnomAD 0.03177 and 0.03374; TOPMed 0.03531; 1000 Genomes Project 0.03614; 1000 Genomes Project 30x 0.03763.

Submission:

Illumina Laboratory Services, Illumina
Classification: Benign for Hereditary xanthinuria type 1. Last evaluated: 2018-01-13. Review status: criteria provided, single submitter. Criteria: ICSL Variant Classification Criteria 13 December 2019. Collection method: clinical testing. Allele origin: germline.
Comment: This variant was observed in the ICSL laboratory as part of a predisposition screen in an ostensibly healthy population. It had not been previously curated by ICSL or reported in the Human Gene Mutation Database (HGMD: prior to June 1st, 2018), and was therefore a candidate for classification through an automated scoring system. Utilizing variant allele frequency, disease prevalence and penetrance estimates, and inheritance mode, an automated score was calculated to assess if this variant is too frequent to cause the disease. Based on the score and internal cut-off values, a variant classified as benign is not then subjected to further curation. The score for this variant resulted in a classification of benign for this disease.